The following is an entry in ClinVar:

ClinVar aggregate classification (germline): Uncertain significance (1 of 4 stars; one submission).

Conditions:
Developmental and epileptic encephalopathy, 32 (DEE32). Also called: Epileptic encephalopathy, early infantile, 32. Identifiers: Orphanet 442835, MedGen C4225350, MONDO:0014607, OMIM 616366.

Submission:

Labcorp Genetics (formerly Invitae), Labcorp
Classification: Uncertain significance for Developmental and epileptic encephalopathy, 32. Last evaluated: 2025-07-28. Review status: criteria provided, single submitter. Criteria: Invitae Variant Classification Sherloc (09022015). Collection method: clinical testing. Allele origin: germline.
Comment: This sequence change replaces valine, which is neutral and non-polar, with methionine, which is neutral and non-polar, at codon 346 of the KCNA2 protein (p.Val346Met). This variant is not present in population databases (gnomAD no frequency). This variant has not been reported in the literature in individuals affected with KCNA2-related conditions. ClinVar contains an entry for this variant (Variation ID: 2755150). Invitae Evidence Modeling of protein sequence and biophysical properties (such as structural, functional, and spatial information, amino acid conservation, physicochemical variation, residue mobility, and thermodynamic stability) has been performed for this missense variant. However, the output from this modeling did not meet the statistical confidence thresholds required to predict the impact of this variant on KCNA2 protein function. In summary, the available evidence is currently insufficient to determine the role of this variant in disease. Therefore, it has been classified as a Variant of Uncertain Significance.

NM_004974.4(KCNA2):c.1036G>A (p.Val346Met)

Gene: KCNA2 (potassium voltage-gated channel subfamily A member 2; minus strand). Cytogenetic location: 1p13.3.
Variant type: single nucleotide variant.
Coding change: c.1036G>A on transcript NM_004974.4 (MANE Select); coding-DNA position 1036, G replaced by A.
Protein change: p.Val346Met; replaces valine 346 with methionine.
Molecular consequence: missense variant. On other transcripts: intron variant (1).
Genome position (GRCh38, 1-based): chr1:110,603,747, C>T on the plus strand (G>A on the coding strand, the complement: KCNA2 is on the minus strand). VCF-style: chr1-110603747-C-T. GRCh37 (hg19) VCF-style: chr1-111146369-C-T.
Other names: c.894+142G>A (NM_001204269.2); short protein forms V346M.
Identifiers: ClinVar variation 2755150 (VCV002755150.3), dbSNP rs2101397688, ClinGen allele CA341602243.